The following is an entry in ClinVar:

ClinVar aggregate classification (germline): Likely pathogenic (1 of 4 stars; one submission).

Conditions:
Retinal dystrophy. Also called: Inherited retinal dystrophy. Identifiers: Orphanet 71862, MedGen C0854723, MeSH D058499, MONDO:0019118, HP:0000556.

Submission:

Ophthalmic Genetics Group, Institute of Molecular and Clinical Ophthalmology Basel
Classification: Likely pathogenic for Retinal dystrophy. Last evaluated: 2024-05-27. Review status: criteria provided, single submitter. Criteria: ACMG Guidelines, 2015. Collection method: research. Allele origin: germline. Affected: yes. Observed: 2 variant alleles.
Comment: This variant was classified as Likely pathogenic based on ACMG criteria: PVS1_Very strong and PM2_sup

Literature cited by the submitters: PubMed 40180963.

NM_201253.3(CRB1):c.255T>A (p.Cys85Ter)

Gene: CRB1 (crumbs cell polarity complex component 1; plus strand). Cytogenetic location: 1q31.3.
Variant type: single nucleotide variant.
Coding change: c.255T>A on transcript NM_201253.3 (MANE Select); coding-DNA position 255, T replaced by A.
Protein change: p.Cys85Ter; replaces cysteine 85 with a stop codon.
Molecular consequence: nonsense. On other transcripts: non-coding transcript variant (2).
Genome position (GRCh38, 1-based): chr1:197,328,606, T>A. VCF-style: chr1-197328606-T-A. GRCh37 (hg19) VCF-style: chr1-197297736-T-A.
Other names: NC_000001.10:g.197297736T>A; NP_957705.1:p.(Cys85Ter); c.255T>A, p.Cys85Ter (NM_001193640.2, NM_001257966.2); c.48T>A, p.Cys16Ter (NM_001257965.2); short protein forms C16*, C85*.
Identifiers: ClinVar variation 3381787 (VCV003381787.2).
Genomic context (GRCh38, chr1:197,328,606, plus strand): 5'-AGACTGTGACAACATGAAAGACCCTTGCTTCTCCAATCCCTGTCAAGGAAGTGCCACTTG[T>A]GTGAACACCCCAGGAGAAAGGAGCTTTCTGTGCAAATGTCCTCCTGGGTACAGTGGGACA-3'